The following is an entry in ClinVar:

ClinVar aggregate classification (germline): Pathogenic. Review status: criteria provided, single submitter (1 of 4 stars). 2 submissions from 2 submitters: Pathogenic (1). 1 of the submissions does not count toward it. Last evaluated 2020-07-30.

Conditions:
NEB-related disorder. Also called: NEB-related condition; NEB-Related Disorders.
Nemaline myopathy 2 (NEM2). Also called: Nemaline myopathy 2, autosomal recessive. Identifiers: MedGen C1850569, MONDO:0009725, OMIM 256030.

Submissions (2):

Labcorp Genetics (formerly Invitae), Labcorp
Classification: Pathogenic for Nemaline myopathy 2. Last evaluated: 2020-07-30. Review status: criteria provided, single submitter. Criteria: Invitae Variant Classification Sherloc (09022015). Collection method: clinical testing. Allele origin: germline.
Comment: This variant occurs in a region of NEB (Exons 82-105) consisting of three highly homologous 8-exon repeat units (exons 82-89, exons 90-97, exons 98-105). Sequence variants in this region can be detected, but this assay cannot determine which of the three repeat units is affected, and zygosity is often ambiguous. All variants in this region are reported relative to the exon 82-89 repeat. For these reasons, this variant has been classified as Pathogenic. Loss-of-function variants in NEB are known to be pathogenic (PMID: 25205138). This variant has not been reported in the literature in individuals with NEB-related conditions. This sequence change creates a premature translational stop signal (p.Ile4246Leufs*62) in the NEB gene. It is expected to result in an absent or disrupted protein product.

PreventionGenetics, part of Exact Sciences
Classification: Likely pathogenic for NEB-related condition. Last evaluated: 2024-03-30. Review status: no assertion criteria provided. Collection method: clinical testing. Allele origin: germline. Not counted in ClinVar's aggregate classification.
Comment: The NEB c.12736delA variant is predicted to result in a frameshift and premature protein termination (p.Ile4246Leufs*62). To our knowledge, this variant has not been reported in the literature. This variant is reported in 0.012% of alleles in individuals of European (Non-Finnish) descent in gnomAD. Frameshift variants in NEB are expected to be pathogenic. This variant is interpreted as likely pathogenic.

Literature cited by the submitters: PubMed 25205138 (cited by Labcorp Genetics (formerly Invitae), Labcorp).

NM_001164508.2(NEB):c.12736del (p.Ile4246fs)

Gene: NEB (nebulin; minus strand). Cytogenetic location: 2q23.3.
Variant type: Deletion.
Coding change: c.12736del on transcript NM_001164508.2 (MANE Select); coding-DNA position 12736, one base deleted (A; older notation c.12736delA).
Protein change: p.Ile4246fs; shifts the reading frame from isoleucine 4246.
Molecular consequence: frameshift variant. On other transcripts: intron variant (1).
Genome position (GRCh38, 1-based): chr2:151,606,617, T deleted on the plus strand (A on the coding strand, the reverse complement: NEB is on the minus strand); the first of 3 consecutive T bases (chr2:151,606,617-151,606,619); deleting any one gives the same sequence. VCF-style (leftmost placement, unchanged base first): chr2-151606616-AT-A. GRCh37 (hg19) VCF-style: chr2-152463130-AT-A.
Other names: c.12736del, p.Ile4246fs (NM_001164507.2, NM_001271208.2); c.11601+3192del (NM_004543.5); c.12736delA (NM_001271208.1); short protein forms I4246fs.
Identifiers: ClinVar variation 1071142 (VCV001071142.10), dbSNP rs1176407542, ClinGen allele CA536637127.